The following is an entry in ClinVar:

ClinVar aggregate classification (germline): Uncertain significance (1 of 4 stars; one submission).

Conditions:
MC4R-related disorder. Also called: MC4R-related condition.

Submission:

PreventionGenetics, part of Exact Sciences
Classification: Uncertain significance for MC4R-related condition. Last evaluated: 2024-11-11. Review status: criteria provided, single submitter. Criteria: ACMG Guidelines, 2015. Collection method: clinical testing. Allele origin: germline.
Comment: The MC4R c.679G>A variant is predicted to result in the amino acid substitution p.Ala227Thr. To our knowledge, this variant has not been reported in the literature. This variant is reported in 0.0062% of alleles in individuals of African descent in gnomAD. At this time, the clinical significance of this variant is uncertain due to the absence of conclusive functional and genetic evidence.

NM_005912.3(MC4R):c.679G>A (p.Ala227Thr)

Gene: MC4R (melanocortin 4 receptor; minus strand). Cytogenetic location: 18q21.32.
Variant type: single nucleotide variant.
Coding change: c.679G>A on transcript NM_005912.3 (MANE Select); coding-DNA position 679, G replaced by A.
Protein change: p.Ala227Thr; replaces alanine 227 with threonine.
Molecular consequence: missense variant.
Genome position (GRCh38, 1-based): chr18:60,371,671, C>T on the plus strand (G>A on the coding strand, the complement: MC4R is on the minus strand). VCF-style: chr18-60371671-C-T. GRCh37 (hg19) VCF-style: chr18-58038904-C-T.
Other names: short protein forms A227T.
Identifiers: ClinVar variation 4981189 (VCV004981189.1).